The following is an entry in ClinVar:

ClinVar aggregate classification (germline): Uncertain significance (1 of 4 stars; one submission).

Conditions:
Cardiovascular phenotype. Identifiers: MedGen CN230736.

Submission:

Ambry Genetics
Classification: Uncertain significance for Cardiovascular phenotype. Last evaluated: 2022-04-19. Review status: criteria provided, single submitter. Criteria: Ambry Variant Classification Scheme 2023. Collection method: clinical testing. Allele origin: germline.
Comment: The p.K20N variant (also known as c.60G>T), located in coding exon 1 of the CAV3 gene, results from a G to T substitution at nucleotide position 60. The lysine at codon 20 is replaced by asparagine, an amino acid with similar properties. This amino acid position is conserved. In addition, the in silico prediction for this alteration is inconclusive. Since supporting evidence is limited at this time, the clinical significance of this alteration remains unclear.

NM_033337.3(CAV3):c.60G>T (p.Lys20Asn)

Gene: CAV3 (caveolin 3; plus strand). Cytogenetic location: 3p25.3.
Variant type: single nucleotide variant.
Coding change: c.60G>T on transcript NM_033337.3 (MANE Select); coding-DNA position 60, G replaced by T.
Protein change: p.Lys20Asn; replaces lysine 20 with asparagine.
Molecular consequence: missense variant.
Genome position (GRCh38, 1-based): chr3:8,733,936, G>T. VCF-style: chr3-8733936-G-T. GRCh37 (hg19) VCF-style: chr3-8775622-G-T.
Other names: c.60G>T, p.Lys20Asn (NM_001234.5); short protein forms K20N.
Identifiers: ClinVar variation 1751622 (VCV001751622.3), dbSNP rs972788554, ClinGen allele CA351661399.